The following is an entry in ClinVar:

NM_000393.5(COL5A2):c.3394G>A (p.Asp1132Asn)

Gene: COL5A2 (collagen type V alpha 2 chain; minus strand). Cytogenetic location: 2q32.2.
Variant type: single nucleotide variant.
Coding change: c.3394G>A on transcript NM_000393.5 (MANE Select); coding-DNA position 3394, G replaced by A.
Protein change: p.Asp1132Asn; replaces aspartic acid 1132 with asparagine.
Molecular consequence: missense variant.
Genome position (GRCh38, 1-based): chr2:189,043,228, C>T on the plus strand (G>A on the coding strand, the complement: COL5A2 is on the minus strand). VCF-style: chr2-189043228-C-T. GRCh37 (hg19) VCF-style: chr2-189907954-C-T.
Other names: short protein forms D1132N.
Identifiers: ClinVar variation 2697790 (VCV002697790.3), dbSNP rs2469232502, ClinGen allele CA349861002.
Genomic context (GRCh38, chr2:189,043,228, plus strand): 5'-CCTGAAGACCAGTAAAGCCTCTGTGGCCCTTCTGACCTCTGTCACCTCGGTCTCCATGAT[C>T]ACCTTTGTCACCACGAGGTCCTTGGGGTCCCTAGAAATAGAGATATGGCATGAAAATTAC-3'
Protein context (NP_000384.2, residues 1122-1142): GPQGPRGDKG[Asp1132Asn]HGDRGDRGQK

ClinVar aggregate classification (germline): Uncertain significance (1 of 4 stars; one submission).

Conditions:
Ehlers-Danlos syndrome, classic type, 1 (EDSCL1). Also called: EHLERS-DANLOS SYNDROME, GRAVIS TYPE; EHLERS-DANLOS SYNDROME, SEVERE CLASSIC TYPE; Ehlers-Danlos syndrome, type 1; Ehlers-Danlos Syndrome, Classic Type, COL5A1-Related; EDS I. Identifiers: MedGen C0268335, MONDO:0019567, OMIM 130000.

Submission:

Labcorp Genetics (formerly Invitae), Labcorp
Classification: Uncertain significance for Ehlers-Danlos syndrome, classic type, 1. Last evaluated: 2023-11-20. Review status: criteria provided, single submitter. Criteria: Invitae Variant Classification Sherloc (09022015). Collection method: clinical testing. Allele origin: germline.
Comment: This sequence change replaces aspartic acid, which is acidic and polar, with asparagine, which is neutral and polar, at codon 1132 of the COL5A2 protein (p.Asp1132Asn). This variant is not present in population databases (gnomAD no frequency). This variant has not been reported in the literature in individuals affected with COL5A2-related conditions. Advanced modeling of protein sequence and biophysical properties (such as structural, functional, and spatial information, amino acid conservation, physicochemical variation, residue mobility, and thermodynamic stability) performed at Invitae indicates that this missense variant is not expected to disrupt COL5A2 protein function with a negative predictive value of 80%. In summary, the available evidence is currently insufficient to determine the role of this variant in disease. Therefore, it has been classified as a Variant of Uncertain Significance.